The following is an entry in ClinVar:

NM_153460.4(IL17RC):c.1637T>C (p.Val546Ala)

Gene: IL17RC (interleukin 17 receptor C; plus strand). Cytogenetic location: 3p25.3.
Variant type: single nucleotide variant.
Coding change: c.1637T>C on transcript NM_153460.4 (MANE Select); coding-DNA position 1637, T replaced by C.
Protein change: p.Val546Ala; replaces valine 546 with alanine.
Molecular consequence: missense variant. On other transcripts: non-coding transcript variant (1).
Genome position (GRCh38, 1-based): chr3:9,933,067, T>C. VCF-style: chr3-9933067-T-C. GRCh37 (hg19) VCF-style: chr3-9974751-T-C.
Other names: c.1598T>C, p.Val533Ala (NM_001203263.2); c.1547T>C, p.Val516Ala (NM_001203264.2); c.1541T>C, p.Val514Ala (NM_001203265.2); c.1559T>C, p.Val520Ala (NM_001367278.1); c.1478T>C, p.Val493Ala (NM_001367279.1); c.1553T>C, p.Val518Ala (NM_001367280.1); c.1592T>C, p.Val531Ala (NM_032732.6); c.1850T>C, p.Val617Ala (NM_153461.4); short protein forms V514A, V518A, V520A, V533A, V546A, V493A, V516A, V531A.
Identifiers: ClinVar variation 1475962 (VCV001475962.8), dbSNP rs761179998, ClinGen allele CA2247372.

ClinVar aggregate classification (germline): Uncertain significance (1 of 4 stars; one submission).

Conditions:
Candidiasis, familial, 9 (CANDF9). Identifiers: Orphanet 1334, MedGen C4225324, MONDO:0014642, OMIM 616445.

Allele frequency attached by ClinVar (database versions not stated): gnomAD exomes below 0.00001 and 0.00001; ExAC 0.00001; TOPMed 0.00002; gnomAD 0.00003.
gnomAD v4.1: 9 of 1,554,280 alleles (0.00058%); highest among the groups gnomAD compares: South Asian, 0.0024%; no homozygotes.

Submission:

Labcorp Genetics (formerly Invitae), Labcorp
Classification: Uncertain significance for Candidiasis, familial, 9. Last evaluated: 2024-01-21. Review status: criteria provided, single submitter. Criteria: Invitae Variant Classification Sherloc (09022015). Collection method: clinical testing. Allele origin: germline.
Comment: This sequence change replaces valine, which is neutral and non-polar, with alanine, which is neutral and non-polar, at codon 617 of the IL17RC protein (p.Val617Ala). The frequency data for this variant in the population databases is considered unreliable, as metrics indicate poor data quality at this position in the gnomAD database. This variant has not been reported in the literature in individuals affected with IL17RC-related conditions. ClinVar contains an entry for this variant (Variation ID: 1475962). An algorithm developed to predict the effect of missense changes on protein structure and function (PolyPhen-2) suggests that this variant is likely to be disruptive. In summary, the available evidence is currently insufficient to determine the role of this variant in disease. Therefore, it has been classified as a Variant of Uncertain Significance.